The following is an entry in ClinVar:

ClinVar aggregate classification (germline): Uncertain significance (1 of 4 stars; one submission).

Allele frequency attached by ClinVar (database versions not stated): gnomAD exomes below 0.00001.
gnomAD v4.1: 2 of 1,613,386 alleles (0.00012%); highest among the groups gnomAD compares: Non-Finnish European, 0.00017%; no homozygotes.

Submission:

Labcorp Genetics (formerly Invitae), Labcorp
Classification: Uncertain significance. Last evaluated: 2021-11-14. Review status: criteria provided, single submitter. Criteria: Invitae Variant Classification Sherloc (09022015). Collection method: clinical testing. Allele origin: germline.
Comment: This variant is not present in population databases (gnomAD no frequency). This sequence change replaces glycine, which is neutral and non-polar, with aspartic acid, which is acidic and polar, at codon 404 of the ADGRA3 protein (p.Gly404Asp). This variant has not been reported in the literature in individuals affected with ADGRA3-related conditions. Algorithms developed to predict the effect of missense changes on protein structure and function are either unavailable or do not agree on the potential impact of this missense change (SIFT: "Deleterious"; PolyPhen-2: "Probably Damaging"; Align-GVGD: "Class C0"). Algorithms developed to predict the effect of sequence changes on RNA splicing suggest that this variant may create or strengthen a splice site. In summary, the available evidence is currently insufficient to determine the role of this variant in disease. Therefore, it has been classified as a Variant of Uncertain Significance.

NM_145290.4(ADGRA3):c.1211G>A (p.Gly404Asp)

Gene: ADGRA3 (adhesion G protein-coupled receptor A3; minus strand). Cytogenetic location: 4p15.2.
Variant type: single nucleotide variant.
Coding change: c.1211G>A on transcript NM_145290.4 (MANE Select); coding-DNA position 1211, G replaced by A.
Protein change: p.Gly404Asp; replaces glycine 404 with aspartic acid.
Molecular consequence: missense variant.
Genome position (GRCh38, 1-based): chr4:22,436,516, C>T on the plus strand (G>A on the coding strand, the complement: ADGRA3 is on the minus strand). VCF-style: chr4-22436516-C-T. GRCh37 (hg19) VCF-style: chr4-22438139-C-T.
Other names: short protein forms G404D.
Identifiers: ClinVar variation 1425007 (VCV001425007.6), dbSNP rs2109062131, ClinGen allele CA356482194.